The following is an entry in ClinVar:

NM_005732.4(RAD50):c.1505T>C (p.Met502Thr)

Gene: RAD50 (RAD50 double strand break repair protein; plus strand). Cytogenetic location: 5q31.1.
Variant type: single nucleotide variant.
Coding change: c.1505T>C on transcript NM_005732.4 (MANE Select); coding-DNA position 1505, T replaced by C.
Protein change: p.Met502Thr; replaces methionine 502 with threonine.
Molecular consequence: missense variant.
Genome position (GRCh38, 1-based): chr5:132,591,276, T>C. VCF-style: chr5-132591276-T-C. GRCh37 (hg19) VCF-style: chr5-131926968-T-C.
Other names: short protein forms M502T.
Identifiers: ClinVar variation 527360 (VCV000527360.9), dbSNP rs1554098399, ClinGen allele CA360945620.

ClinVar aggregate classification (germline): Uncertain significance (1 of 4 stars; one submission).

Conditions:
Hereditary cancer-predisposing syndrome. Also called: Neoplastic Syndromes, Hereditary; Tumor predisposition; Hereditary Cancer Syndrome; Hereditary neoplastic syndrome. Identifiers: Orphanet 140162, MedGen C0027672, MeSH D009386, MONDO:0015356.

Submission:

Labcorp Genetics (formerly Invitae), Labcorp
Classification: Uncertain significance for Hereditary cancer-predisposing syndrome. Last evaluated: 2017-11-13. Review status: criteria provided, single submitter. Criteria: Invitae Variant Classification Sherloc (09022015). Collection method: clinical testing. Allele origin: germline.
Comment: Algorithms developed to predict the effect of missense changes on protein structure and function output the following: SIFT: "Tolerated"; PolyPhen-2: "Benign"; Align-GVGD: "Class C0". The threonine amino acid residue is found in multiple mammalian species, suggesting that this missense change does not adversely affect protein function. These predictions have not been confirmed by published functional studies and their clinical significance is uncertain. This variant has not been reported in the literature in individuals with RAD50-related disease. In summary, the available evidence is currently insufficient to determine the role of this variant in disease. Therefore, it has been classified as a Variant of Uncertain Significance. This sequence change replaces methionine with threonine at codon 502 of the RAD50 protein (p.Met502Thr). The methionine residue is weakly conserved and there is a moderate physicochemical difference between methionine and threonine. This variant is not present in population databases (ExAC no frequency).